The following is an entry in ClinVar:

NM_000391.4(TPP1):c.1551+1G>A

Gene: TPP1 (tripeptidyl peptidase 1; minus strand). Cytogenetic location: 11p15.4.
Variant type: single nucleotide variant.
Coding change: c.1551+1G>A on transcript NM_000391.4 (MANE Select); the canonical splice donor site of the intron after coding-DNA position 1551, G replaced by A.
Molecular consequence: splice donor variant.
Genome position (GRCh38, 1-based): chr11:6,614,865, C>T on the plus strand (G>A on the coding strand, the complement: TPP1 is on the minus strand). VCF-style: chr11-6614865-C-T. GRCh37 (hg19) VCF-style: chr11-6636096-C-T.
Identifiers: ClinVar variation 188909 (VCV000188909.17), dbSNP rs786204553, ClinGen allele CA274113.

ClinVar aggregate classification (germline): Pathogenic/Likely pathogenic. Review status: criteria provided, multiple submitters, no conflicts (2 of 4 stars). 5 submissions from 5 submitters: Pathogenic (3); Likely pathogenic (1). 1 of the submissions does not count toward it. Last evaluated 2025-01-28.

Conditions:
Neuronal ceroid lipofuscinosis 2. Also called: JANSKY-BIELSCHOWSKY DISEASE NEURONAL CEROID LIPOFUSCINOSIS, LATE INFANTILE; TPP1-Related Neuronal Ceroid-Lipofuscinosis. Identifiers: Orphanet 168491, Orphanet 228349, Orphanet 79264, MedGen C1876161, MONDO:0008769, OMIM 204500.

gnomAD v4.1: 1 of 1,614,134 alleles (0.000062%); highest among the groups gnomAD compares: Non-Finnish European, 0.000085%; no homozygotes.

Submissions (5):

Natera, Inc.
Classification: Likely pathogenic for Neuronal ceroid lipofuscinosis 2. Last evaluated: 2025-01-28. Review status: criteria provided, single submitter. Criteria: Natera Variant Classification Schema (03/2026). Collection method: clinical testing. Allele origin: germline.
Comment: The c.1551+1G>A variant in TPP1 is a canonical splice donor site variant predicted to affect pre-mRNA splicing, which may result in an abnormal transcript and altered protein product. This variant is expected to result in nonsense mediated decay, truncation, or a dysfunctional protein product. This variant is rare in the general population with a frequency below the threshold expected for the associated phenotype(s). This variant has been observed in one or more individuals affected with the associated recessive disease, as either homozygous or compound heterozygous with a second variant (PMID: 20820830, 32552793, 38469103). Given the available evidence, this variant is classified as Likely Pathogenic.

Labcorp Genetics (formerly Invitae), Labcorp
Classification: Pathogenic. Last evaluated: 2024-03-23. Review status: criteria provided, single submitter. Criteria: Invitae Variant Classification Sherloc (09022015). Collection method: clinical testing. Allele origin: germline.
Comment: This sequence change affects a donor splice site in intron 12 of the TPP1 gene. While this variant is not anticipated to result in nonsense mediated decay, it likely alters RNA splicing and results in a disrupted protein product. This variant is present in population databases (rs786204553, gnomAD 0.0009%). Disruption of this splice site has been observed in individual(s) with neuronal ceroid lipofuscinosis (PMID: 20820830, 26032578). ClinVar contains an entry for this variant (Variation ID: 188909). Variants that disrupt the consensus splice site are a relatively common cause of aberrant splicing (PMID: 17576681, 9536098). Algorithms developed to predict the effect of sequence changes on RNA splicing suggest that this variant may disrupt the consensus splice site. This variant disrupts a region of the TPP1 protein in which other variant(s) (p.Gly535Arg) have been determined to be pathogenic (PMID: 23266810). This suggests that this is a clinically significant region of the protein, and that variants that disrupt it are likely to be disease-causing. For these reasons, this variant has been classified as Pathogenic.

Revvity Omics, Revvity
Classification: Pathogenic. Last evaluated: 2022-10-05. Review status: criteria provided, single submitter. Criteria: ACMG Guidelines, 2015. Collection method: clinical testing. Allele origin: germline.

GeneDx
Classification: Pathogenic. Last evaluated: 2015-12-29. Review status: criteria provided, single submitter. Criteria: GeneDx Variant Classification (06012015). Collection method: clinical testing. Allele origin: germline. Affected: yes.
Comment: The c.1551+1 G>A splice site variant in the TPP1 gene has been previously reported in an individual with cLINCL who had a second TPP1 variant on the other allele (Wang et al., 2011). This pathogenic variant destroys the canonical splice donor site in intron 12, and is expected to cause abnormal gene splicing. Additionally, different variants at the same position (c.1551+1 G>T, c.1551+1 G>C) have been reported previously in association with cLINCL (Stenson et al., 2014). Therefore, c.1551+1 G>A is considered to be a pathogenic variant.

Counsyl
Classification: Likely pathogenic for Ceroid lipofuscinosis, neuronal, 2. Last evaluated: 2014-07-31. Review status: no assertion criteria provided. Collection method: literature only. Allele origin: unknown. Inheritance: Autosomal recessive inheritance. Not counted in ClinVar's aggregate classification.

Literature cited by the submitters: PubMed 20820830 (cited by 3 submitters); PubMed 32552793 (cited by Natera, Inc.); PubMed 38469103 (cited by Natera, Inc.); PubMed 26032578 (cited by Labcorp Genetics (formerly Invitae), Labcorp); PubMed 17576681 (cited by Labcorp Genetics (formerly Invitae), Labcorp); PubMed 9536098 (cited by Labcorp Genetics (formerly Invitae), Labcorp); PubMed 23266810 (cited by Labcorp Genetics (formerly Invitae), Labcorp); PubMed 21990111 (cited by Counsyl).